The following is an entry in ClinVar:

ClinVar aggregate classification (germline): Pathogenic (1 of 4 stars; one submission).

Conditions:
Glycogen storage disease, type II (IOPD). Also called: POMPE DISEASE, INFANTILE-ONSET; GLYCOGEN STORAGE DISEASE II, INFANTILE-ONSET; ACID ALPHA-GLUCOSIDASE DEFICIENCY, INFANTILE-ONSET; GAA DEFICIENCY, INFANTILE-ONSET; ACID MALTASE DEFICIENCY, INFANTILE-ONSET; CARDIOMEGALIA GLYCOGENICA DIFFUSA. Identifiers: Orphanet 365, MedGen C0017921, MONDO:0009290, OMIM 232300.

Submission:

Women's Health and Genetics/Laboratory Corporation of America, LabCorp
Classification: Pathogenic for Glycogen storage disease, type II. Last evaluated: 2025-04-30. Review status: criteria provided, single submitter. Criteria: LabCorp Variant Classification Summary - May 2015. Collection method: clinical testing. Allele origin: germline.
Comment: Variant summary: GAA c.1716delC (p.His572GlnfsX6) results in a premature termination codon, predicted to cause a truncation of the encoded protein or absence of the protein due to nonsense mediated decay, which are commonly known mechanisms for disease. The variant was absent in 251352 control chromosomes. To our knowledge, no occurrence of c.1716delC in individuals affected with Glycogen Storage Disease, Type 2 (Pompe Disease) and no experimental evidence demonstrating its impact on protein function have been reported. No submitters have cited clinical-significance assessments for this variant to ClinVar. Based on the evidence outlined above, the variant was classified as pathogenic.

NM_000152.5(GAA):c.1716del (p.His572fs)

Gene: GAA (alpha glucosidase; plus strand). Cytogenetic location: 17q25.3.
Variant type: Deletion.
Coding change: c.1716del on transcript NM_000152.5 (MANE Select); coding-DNA position 1716, one base deleted (C; older notation c.1716delC).
Protein change: p.His572fs; shifts the reading frame from histidine 572.
Molecular consequence: frameshift variant.
Genome position (GRCh38, 1-based): chr17:80,112,062, C deleted. VCF-style (leftmost placement, unchanged base first): chr17-80112061-AC-A. GRCh37 (hg19) VCF-style: chr17-78085860-AC-A.
Other names: c.1716del, p.His572fs (NM_001079803.3, NM_001079804.3, NM_001406741.1 and 1 more transcripts); c.1716delC (NM_000152.5); short protein forms H572fs.
Identifiers: ClinVar variation 3896666 (VCV003896666.2).